The following is an entry in ClinVar:

NM_000044.6(AR):c.5A>G (p.Glu2Gly)

Gene: AR (androgen receptor; plus strand). Cytogenetic location: Xq12.
Variant type: single nucleotide variant.
Coding change: c.5A>G on transcript NM_000044.6 (MANE Select); coding-DNA position 5, A replaced by G.
Protein change: p.Glu2Gly; replaces glutamic acid 2 with glycine.
Molecular consequence: missense variant. On other transcripts: 5 prime UTR variant (1).
Genome position (GRCh38, 1-based): chrX:67,545,151, A>G. VCF-style: chrX-67545151-A-G. GRCh37 (hg19) VCF-style: chrX-66764993-A-G.
Other names: c.-1779A>G (NM_001011645.3); c.5A>G, p.Glu2Gly (NM_001348061.1, NM_001348063.1, NM_001348064.1); short protein forms E2G.
Identifiers: ClinVar variation 852163 (VCV000852163.8), dbSNP rs1929637005, ClinGen allele CA413423592.
Genomic context (GRCh38, chrX:67,545,151, plus strand): 5'-AAGAGAAGGGGAGGCGGGGTAAGGGAAGTAGGTGGAAGATTCAGCCAAGCTCAAGGATGG[A>G]AGTGCAGTTAGGGCTGGGAAGGGTCTACCCTCGGCCGCCGTCCAAGACCTACCGAGGAGC-3'
Protein context (NP_000035.2, residues 1-12): M[Glu2Gly]VQLGLGRVYP

ClinVar aggregate classification (germline): Uncertain significance (1 of 4 stars; one submission).

Conditions:
Androgen resistance syndrome (AIS). Also called: TESTICULAR FEMINIZATION SYNDROME; Androgen insensitivity, complete; Androgen insensitivity syndrome; Androgen insensitivity syndrome due to coactivator deficiency; DHTR DEFICIENCY; ANDROGEN RECEPTOR DEFICIENCY. Identifiers: Orphanet 754, Orphanet 99429, MedGen C0039585, MONDO:0019154, OMIM 300068. Disease mechanism: loss of function.
Kennedy disease (SMAX1). Also called: KENNEDY SPINAL AND BULBAR MUSCULAR ATROPHY; Spinal and Bulbar Muscular Atrophy; SPINAL AND BULBAR MUSCULAR ATROPHY, X-LINKED 1. Identifiers: Orphanet 481, MedGen C1839259, MONDO:0010735, OMIM 313200.

Submission:

Labcorp Genetics (formerly Invitae), Labcorp
Classification: Uncertain significance for Kennedy disease; Androgen resistance syndrome. Last evaluated: 2019-12-08. Review status: criteria provided, single submitter. Criteria: Invitae Variant Classification Sherloc (09022015). Collection method: clinical testing. Allele origin: germline.
Comment: In summary, the available evidence is currently insufficient to determine the role of this variant in disease. Therefore, it has been classified as a Variant of Uncertain Significance. This variant disrupts the p.Glu2 amino acid residue in AR. Other variant(s) that disrupt this residue have been determined to be pathogenic (PMID: 8823308). This suggests that this residue is clinically significant, and that variants that disrupt this residue are likely to be disease-causing. Algorithms developed to predict the effect of missense changes on protein structure and function are either unavailable or do not agree on the potential impact of this missense change (SIFT: "Deleterious"; PolyPhen-2: "Probably Damaging"; Align-GVGD: "Class C0"). This variant has not been reported in the literature in individuals with AR-related conditions. This variant is not present in population databases (ExAC no frequency). This sequence change replaces glutamic acid with glycine at codon 2 of the AR protein (p.Glu2Gly). The glutamic acid residue is moderately conserved and there is a moderate physicochemical difference between glutamic acid and glycine.

Literature cited by the submitters: PubMed 8823308.